The following is an entry in ClinVar:

ClinVar aggregate classification (germline): Uncertain significance. Review status: criteria provided, multiple submitters, no conflicts (2 of 4 stars). 2 submissions from 2 submitters: Uncertain significance (2). Last evaluated 2026-07-07.

Conditions:
Hereditary cancer-predisposing syndrome. Also called: Hereditary Cancer Syndrome; Hereditary neoplastic syndrome; Neoplastic Syndromes, Hereditary; Tumor predisposition. Identifiers: Orphanet 140162, MedGen C0027672, MeSH D009386, MONDO:0015356.
EGFR-related lung cancer (EGFR). Identifiers: MedGen CN130014.

Submissions (2):

Ambry Genetics
Classification: Uncertain significance for Hereditary cancer-predisposing syndrome. Last evaluated: 2026-07-07. Review status: criteria provided, single submitter. Criteria: Ambry Variant Classification Scheme 2023. Collection method: clinical testing. Allele origin: germline.
Comment: The p.F436C variant (also known as c.1307T>G), located in coding exon 12 of the EGFR gene, results from a T to G substitution at nucleotide position 1307. The phenylalanine at codon 436 is replaced by cysteine, an amino acid with highly dissimilar properties. This amino acid position is conserved. In addition, the in silico prediction for this alteration is inconclusive. Based on the available evidence, the clinical significance of this variant remains unclear.

Labcorp Genetics (formerly Invitae), Labcorp
Classification: Uncertain significance for EGFR-related lung cancer. Last evaluated: 2023-10-05. Review status: criteria provided, single submitter. Criteria: Invitae Variant Classification Sherloc (09022015). Collection method: clinical testing. Allele origin: germline.
Comment: This sequence change replaces phenylalanine, which is neutral and non-polar, with cysteine, which is neutral and slightly polar, at codon 436 of the EGFR protein (p.Phe436Cys). This variant is not present in population databases (gnomAD no frequency). This variant has not been reported in the literature in individuals affected with EGFR-related conditions. Advanced modeling of protein sequence and biophysical properties (such as structural, functional, and spatial information, amino acid conservation, physicochemical variation, residue mobility, and thermodynamic stability) performed at Invitae indicates that this missense variant is not expected to disrupt EGFR protein function. In summary, the available evidence is currently insufficient to determine the role of this variant in disease. Therefore, it has been classified as a Variant of Uncertain Significance.

NM_005228.5(EGFR):c.1307T>G (p.Phe436Cys)

Gene: EGFR (epidermal growth factor receptor; plus strand). Cytogenetic location: 7p11.2.
Variant type: single nucleotide variant.
Coding change: c.1307T>G on transcript NM_005228.5 (MANE Select); coding-DNA position 1307, T replaced by G.
Protein change: p.Phe436Cys; replaces phenylalanine 436 with cysteine.
Molecular consequence: missense variant.
Genome position (GRCh38, 1-based): chr7:55,160,147, T>G. VCF-style: chr7-55160147-T-G. GRCh37 (hg19) VCF-style: chr7-55227840-T-G.
Other names: c.1172T>G, p.Phe391Cys (NM_001346897.2, NM_001346899.2); c.1307T>G, p.Phe436Cys (NM_001346898.2, NM_201282.2, NM_201284.2); c.1148T>G, p.Phe383Cys (NM_001346900.2); c.506T>G, p.Phe169Cys (NM_001346941.2); short protein forms F391C, F169C, F383C, F436C.
Identifiers: ClinVar variation 2765911 (VCV002765911.4), dbSNP rs2128941294, ClinGen allele CA367579325.